The following is an entry in ClinVar:

NM_138694.4(PKHD1):c.11869C>T (p.Arg3957Cys)

Gene: PKHD1 (PKHD1 ciliary IPT domain containing fibrocystin/polyductin; minus strand). Cytogenetic location: 6p12.3.
Variant type: single nucleotide variant.
Coding change: c.11869C>T on transcript NM_138694.4 (MANE Select); coding-DNA position 11869, C replaced by T.
Protein change: p.Arg3957Cys; replaces arginine 3957 with cysteine.
Molecular consequence: missense variant.
Genome position (GRCh38, 1-based): chr6:51,619,437, G>A on the plus strand (C>T on the coding strand, the complement: PKHD1 is on the minus strand). VCF-style: chr6-51619437-G-A. GRCh37 (hg19) VCF-style: chr6-51484235-G-A.
Other names: short protein forms R3957C.
Identifiers: ClinVar variation 554923 (VCV000554923.3), dbSNP rs146680689, ClinGen allele CA3850671.

ClinVar aggregate classification (germline): Uncertain significance. Review status: criteria provided, single submitter (1 of 4 stars). 2 submissions from 2 submitters: Uncertain significance (1). 1 of the submissions does not count toward it. Last evaluated 2022-11-03.

Conditions:
Polycystic kidney disease 4 (PKD4). Also called: POLYCYSTIC KIDNEY DISEASE 4 WITH OR WITHOUT POLYCYSTIC LIVER DISEASE; POLYCYSTIC KIDNEY AND HEPATIC DISEASE 1; POLYCYSTIC KIDNEY DISEASE, INFANTILE, TYPE I; PKD3; Autosomal Recessive Polycystic Kidney Disease – PKHD1. Identifiers: MedGen C4540575, MONDO:0033004, OMIM 263200.

Allele frequency attached by ClinVar (database versions not stated): gnomAD exomes 0.00003 and 0.00007; gnomAD 0.00007; ExAC 0.00008; TOPMed 0.00012; ESP Exome Variant Server 0.00015.
gnomAD v4.1: 64 of 1,613,654 alleles (0.004%); highest among the groups gnomAD compares: Middle Eastern, 0.049%; no homozygotes.

Submissions (2):

Women's Health and Genetics/Laboratory Corporation of America, LabCorp
Classification: Uncertain significance. Last evaluated: 2022-11-03. Review status: criteria provided, single submitter. Criteria: LabCorp Variant Classification Summary - May 2015. Collection method: clinical testing. Allele origin: germline.
Comment: Variant summary: PKHD1 c.11869C>T (p.Arg3957Cys) results in a non-conservative amino acid change in the encoded protein sequence. Three of five in-silico tools predict a damaging effect of the variant on protein function. The variant allele was found at a frequency of 7.2e-05 in 250414 control chromosomes. This frequency is not significantly higher than expected for a pathogenic variant in PKHD1 causing Polycystic Kidney And Hepatic Disease (7.2e-05 vs 0.0071), allowing no conclusion about variant significance. c.11869C>T has been reported in the literature in an individuals affected with Polycystic Kidney And Hepatic Disease who carried two pathogenic variants that explain the disease in this patient, and was shown to be in cis with one of the variants (Gunay-Aygun_2010). To our knowledge, no experimental evidence demonstrating an impact on protein function has been reported. One clinical diagnostic laboratory has submitted clinical-significance assessments for this variant to ClinVar after 2014 without evidence for independent evaluation. One laboratory classified the variant as uncertain significance. Based on the evidence outlined above, the variant was classified as uncertain significance.

Counsyl
Classification: Uncertain significance for Polycystic kidney disease 4. Last evaluated: 2017-11-08. Review status: no assertion criteria provided. Collection method: clinical testing. Allele origin: unknown. Not counted in ClinVar's aggregate classification.

Literature cited by the submitters: PubMed 20413436 (cited by Women's Health and Genetics/Laboratory Corporation of America, LabCorp and Counsyl); PubMed 19914852 (cited by Women's Health and Genetics/Laboratory Corporation of America, LabCorp).